The following is an entry in ClinVar:

NM_006587.4(CORIN):c.2047A>T (p.Ser683Cys)

Gene: CORIN (corin, serine peptidase; minus strand). Cytogenetic location: 4p12.
Variant type: single nucleotide variant.
Coding change: c.2047A>T on transcript NM_006587.4 (MANE Select); coding-DNA position 2047, A replaced by T.
Protein change: p.Ser683Cys; replaces serine 683 with cysteine.
Molecular consequence: missense variant.
Genome position (GRCh38, 1-based): chr4:47,643,167, T>A on the plus strand (A>T on the coding strand, the complement: CORIN is on the minus strand). VCF-style: chr4-47643167-T-A. GRCh37 (hg19) VCF-style: chr4-47645184-T-A.
Other names: c.1735A>T, p.Ser579Cys (NM_001278585.2); c.1936A>T, p.Ser646Cys (NM_001278586.2); short protein forms S579C, S646C, S683C.
Identifiers: ClinVar variation 811600 (VCV000811600.16), dbSNP rs144722161, ClinGen allele CA2909493.

ClinVar aggregate classification (germline): Benign/Likely benign. Review status: criteria provided, multiple submitters, no conflicts (2 of 4 stars). 5 submissions from 5 submitters: Benign (1); Likely benign (4). Last evaluated 2026-08-01.

Conditions:
Preeclampsia/eclampsia 5 (PEE5). Identifiers: MedGen C3281288, MONDO:0013817, OMIM 614595.

Allele frequency attached by ClinVar (database versions not stated): 1000 Genomes Project 0.00220; gnomAD 0.00222 and 0.00245; 1000 Genomes Project 30x 0.00250; ExAC 0.00338; gnomAD exomes 0.00350 and 0.00412; TOPMed 0.00225; ESP Exome Variant Server 0.00238.
gnomAD v4.1: 6,407 of 1,614,112 alleles (0.4%); highest among the groups gnomAD compares: South Asian, 1.2%; 33 homozygotes.

Submissions (5):

CeGaT Center for Human Genetics Tuebingen
Classification: Benign. Last evaluated: 2026-08-01. Review status: criteria provided, single submitter. Criteria: CeGaT Center For Human Genetics Tuebingen Variant Classification Criteria Version 2. Collection method: clinical testing. Allele origin: germline. Affected: yes. Observed: 3 variant alleles.
Comment: CORIN: BS1, BS2

Genomic Medicine Center of Excellence, King Faisal Specialist Hospital and Research Centre
Classification: Likely benign. Last evaluated: 2025-08-18. Review status: criteria provided, single submitter. Criteria: ACMG Guidelines, 2015. Collection method: clinical testing. Allele origin: germline.

Blueprint Genetics
Classification: Likely benign. Last evaluated: 2024-11-11. Review status: criteria provided, single submitter. Criteria: ACMG Guidelines, 2015. Collection method: clinical testing. Allele origin: germline.

ARUP Laboratories, Molecular Genetics and Genomics, ARUP Laboratories
Classification: Likely benign for Preeclampsia/eclampsia 5. Last evaluated: 2018-12-26. Review status: criteria provided, single submitter. Criteria: ARUP Molecular Germline Variant Investigation Process. Collection method: clinical testing. Allele origin: germline.

Breakthrough Genomics
Classification: Likely benign. Review status: criteria provided, single submitter. Criteria: ACMG Guidelines, 2015. Collection method: not provided. Allele origin: germline. Inheritance: Unknown mechanism. Affected: yes.